The following is an entry in ClinVar:

NM_001040108.2(MLH3):c.4284_4291del (p.Trp1429fs)

Gene: MLH3 (mutL homolog 3; minus strand). Cytogenetic location: 14q24.3.
Variant type: Deletion.
Coding change: c.4284_4291del on transcript NM_001040108.2 (MANE Select); coding-DNA positions 4284 to 4291, 8 bases deleted (CTGGCGTC; older notation c.4284_4291delCTGGCGTC).
Protein change: p.Trp1429fs; shifts the reading frame from tryptophan 1429.
Molecular consequence: frameshift variant.
Genome position (GRCh38, 1-based): chr14:75,017,153-75,017,160, GACGCCAG deleted on the plus strand (CTGGCGTC on the coding strand, the reverse complement: MLH3 is on the minus strand); deleting any 8 consecutive bases within chr14:75,017,153-75,017,161 gives the same sequence; the c. name uses the placement nearest the transcript's 3' end. VCF-style (leftmost placement, unchanged base first): chr14-75017152-AGACGCCAG-A. GRCh37 (hg19) VCF-style: chr14-75483855-AGACGCCAG-A.
Other names: c.4212_4219del, p.Trp1405fs (NM_014381.3); short protein forms W1405fs, W1429fs.
Identifiers: ClinVar variation 2056098 (VCV002056098.4), dbSNP rs2503032634, ClinGen allele CA2580088811.
Genomic context (GRCh38, chr14:75,017,152, plus strand): 5'-TCACAGGGAGGCATGGATTGCTGCAGGCTCTGCCTTGTATCACACTCTGCTTTTCCAAAG[AGACGCCAG>A]GCCTGGGCCATTTTGCGAAGTTTAGTGAGGTTGGGTTTAATCTATGGGAAGAAAGAATAA-3'

ClinVar aggregate classification (germline): Uncertain significance (1 of 4 stars; one submission).

Conditions:
Colorectal cancer, hereditary nonpolyposis, type 7. Identifiers: Orphanet 144, MedGen C1858380, MONDO:0013725, OMIM 614385.

Submission:

Labcorp Genetics (formerly Invitae), Labcorp
Classification: Uncertain significance for Colorectal cancer, hereditary nonpolyposis, type 7. Last evaluated: 2024-10-08. Review status: criteria provided, single submitter. Criteria: Invitae Variant Classification Sherloc (09022015). Collection method: clinical testing. Allele origin: germline.
Comment: This sequence change creates a premature translational stop signal (p.Trp1429Leufs*7) in the MLH3 gene. While this is not anticipated to result in nonsense mediated decay, it is expected to disrupt the last 25 amino acid(s) of the MLH3 protein. This variant is not present in population databases (gnomAD no frequency). This variant has not been reported in the literature in individuals affected with MLH3-related conditions. ClinVar contains an entry for this variant (Variation ID: 2056098). Experimental studies and prediction algorithms are not available or were not evaluated, and the functional significance of this variant is currently unknown. Algorithms developed to predict the effect of sequence changes on RNA splicing suggest that this variant may disrupt the consensus splice site. In summary, the available evidence is currently insufficient to determine the role of this variant in disease. Therefore, it has been classified as a Variant of Uncertain Significance.